The following is an entry in ClinVar:

ClinVar aggregate classification (germline): Uncertain significance (1 of 4 stars; one submission).

Conditions:
Mowat-Wilson syndrome (MOWS). Also called: Classic Mowat-Wilson Syndrome. Identifiers: Orphanet 2152, MedGen C1856113, MONDO:0009341, OMIM 235730.

Allele frequency attached by ClinVar (database versions not stated): gnomAD exomes below 0.00001.
gnomAD v4.1: 1 of 1,614,244 alleles (0.000062%); highest among the groups gnomAD compares: Non-Finnish European, 0.000085%; no homozygotes.

Submission:

Labcorp Genetics (formerly Invitae), Labcorp
Classification: Uncertain significance for Mowat-Wilson syndrome. Last evaluated: 2023-06-05. Review status: criteria provided, single submitter. Criteria: Invitae Variant Classification Sherloc (09022015). Collection method: clinical testing. Allele origin: germline.
Comment: Advanced modeling of protein sequence and biophysical properties (such as structural, functional, and spatial information, amino acid conservation, physicochemical variation, residue mobility, and thermodynamic stability) performed at Invitae indicates that this missense variant is not expected to disrupt ZEB2 protein function. This variant has not been reported in the literature in individuals affected with ZEB2-related conditions. This variant is not present in population databases (gnomAD no frequency). This sequence change replaces threonine, which is neutral and polar, with alanine, which is neutral and non-polar, at codon 423 of the ZEB2 protein (p.Thr423Ala). In summary, the available evidence is currently insufficient to determine the role of this variant in disease. Therefore, it has been classified as a Variant of Uncertain Significance.

NM_014795.4(ZEB2):c.1267A>G (p.Thr423Ala)

Gene: ZEB2 (zinc finger E-box binding homeobox 2; minus strand). Cytogenetic location: 2q22.3.
Variant type: single nucleotide variant.
Coding change: c.1267A>G on transcript NM_014795.4 (MANE Select); coding-DNA position 1267, A replaced by G.
Protein change: p.Thr423Ala; replaces threonine 423 with alanine.
Molecular consequence: missense variant.
Genome position (GRCh38, 1-based): chr2:144,399,920, T>C on the plus strand (A>G on the coding strand, the complement: ZEB2 is on the minus strand). VCF-style: chr2-144399920-T-C. GRCh37 (hg19) VCF-style: chr2-145157487-T-C.
Other names: c.1195A>G, p.Thr399Ala (NM_001171653.2); short protein forms T423A, T399A.
Identifiers: ClinVar variation 2769803 (VCV002769803.3), dbSNP rs967646320, ClinGen allele CA57556089.